The following is an entry in ClinVar:

ClinVar aggregate classification (germline): Uncertain significance (1 of 4 stars; one submission).

Conditions:
Agammaglobulinemia 4, autosomal recessive (AGM4). Also called: B cell linker protein deficiency; AGAMMAGLOBULINEMIA, AUTOSOMAL RECESSIVE, DUE TO BLNK DEFECT. Identifiers: MedGen C3150752, MONDO:0013289, OMIM 613502.

Allele frequency attached by ClinVar (database versions not stated): gnomAD 0.00001; TOPMed 0.00001.
gnomAD v4.1: 14 of 1,613,834 alleles (0.00087%); highest among the groups gnomAD compares: African/African-American, 0.0013%; no homozygotes.

Submission:

Labcorp Genetics (formerly Invitae), Labcorp
Classification: Uncertain significance for Agammaglobulinemia 4, autosomal recessive. Last evaluated: 2022-07-06. Review status: criteria provided, single submitter. Criteria: Invitae Variant Classification Sherloc (09022015). Collection method: clinical testing. Allele origin: germline.
Comment: This sequence change affects codon 301 of the BLNK mRNA. It is a 'silent' change, meaning that it does not change the encoded amino acid sequence of the BLNK protein. It affects a nucleotide within the consensus splice site. This variant is not present in population databases (gnomAD no frequency). This variant has not been reported in the literature in individuals affected with BLNK-related conditions. Algorithms developed to predict the effect of sequence changes on RNA splicing suggest that this variant is not likely to affect RNA splicing. In summary, the available evidence is currently insufficient to determine the role of this variant in disease. Therefore, it has been classified as a Variant of Uncertain Significance.

NM_013314.4(BLNK):c.903A>G (p.Lys301=)

Genes: BLNK (B cell linker; minus strand), ZNF518A (zinc finger protein 518A; plus strand). Cytogenetic location: 10q24.1.
Variant type: single nucleotide variant.
Coding change: c.903A>G on transcript NM_013314.4 (MANE Select); coding-DNA position 903, A replaced by G.
Protein change: p.Lys301=; no amino-acid change (lysine 301 retained).
Molecular consequence: synonymous variant. On other transcripts: non-coding transcript variant (5).
Genome position (GRCh38, 1-based): chr10:96,204,088, T>C on the plus strand (A>G on the coding strand, the complement: BLNK is on the minus strand). VCF-style: chr10-96204088-T-C. GRCh37 (hg19) VCF-style: chr10-97963844-T-C.
Other names: c.834A>G, p.Lys278= (NM_001114094.2, NM_001258441.2); c.903A>G, p.Lys301= (NM_001258440.2); c.588A>G, p.Lys196= (NM_001258442.2).
Identifiers: ClinVar variation 1965155 (VCV001965155.4), dbSNP rs1253972353, ClinGen allele CA471045592.
Genomic context (GRCh38, chr10:96,204,088, plus strand): 5'-GATACACTACATGGCTTCGTTGTACTTACTTGGCAGAGGTATGGGTTTTTGGTGGATTTG[T>C]CTGCAAGAAAGAATTTCAGATAATTAAAGGACAAAGCACAATATGAGTAAGTTTGACTTT-3'
Protein context (NP_037446.1, residues 291-311): VQSPVFPPAQ[Lys301=]QIHQKPIPLP